The following is an entry in ClinVar:

NC_000023.10:g.(?_32479316)_(32486837_?)del

Gene: DMD (dystrophin; minus strand). Cytogenetic location: Xp21.1.
Variant type: Deletion.
Identifiers: ClinVar variation 1459734 (VCV001459734.5).

ClinVar aggregate classification (germline): Pathogenic (1 of 4 stars; one submission).

Conditions:
Duchenne muscular dystrophy (DMD). Also called: Duchenne Muscular Dystrophy (DMD); MUSCULAR DYSTROPHY, PSEUDOHYPERTROPHIC PROGRESSIVE, DUCHENNE TYPE. Identifiers: Orphanet 98896, MedGen C0013264, MONDO:0010679, OMIM 310200.

Submission:

Labcorp Genetics (formerly Invitae), Labcorp
Classification: Pathogenic for Duchenne muscular dystrophy. Last evaluated: 2021-08-13. Review status: criteria provided, single submitter. Criteria: Invitae Variant Classification Sherloc (09022015). Collection method: clinical testing. Allele origin: germline.
Comment: This variant is a gross deletion of the genomic region encompassing exon(s) 23-25 of the DMD gene. This variant would be expected to be in-frame, preserving the integrity of the reading frame. This variant has not been reported in the literature in individuals affected with DMD-related conditions. This variant disrupts a region of the DMD protein in which other variant(s) (c.3432+1G>A) have been determined to be pathogenic (PMID: 16834926, 19001018, 19783145). This suggests that this is a clinically significant region of the protein, and that variants that disrupt it are likely to be disease-causing. For these reasons, this variant has been classified as Pathogenic.

Literature cited by the submitters: PubMed 16834926; PubMed 19001018; PubMed 19783145.